The following is an entry in ClinVar:

ClinVar aggregate classification (germline): Uncertain significance. Review status: criteria provided, multiple submitters, no conflicts (2 of 4 stars). 2 submissions from 2 submitters: Uncertain significance (2). Last evaluated 2024-09-04.

Allele frequency attached by ClinVar (database versions not stated): ExAC 0.00004; ESP Exome Variant Server 0.00016.
gnomAD v4.1: 140 of 1,613,720 alleles (0.0087%); highest among the groups gnomAD compares: Non-Finnish European, 0.012%; no homozygotes.

Submissions (2):

Mayo Clinic Laboratories, Mayo Clinic
Classification: Uncertain significance. Last evaluated: 2024-09-04. Review status: criteria provided, single submitter. Criteria: ACMG Guidelines, 2015. Collection method: clinical testing. Allele origin: germline. Observed: 1 variant allele.
Comment: BP4

Ambry Genetics
Classification: Uncertain significance. Last evaluated: 2022-12-01. Review status: criteria provided, single submitter. Criteria: Ambry Variant Classification Scheme 2023. Collection method: clinical testing. Allele origin: germline.

NM_015512.5(DNAH1):c.7310C>A (p.Thr2437Asn)

Gene: DNAH1 (dynein axonemal heavy chain 1; plus strand). Cytogenetic location: 3p21.1.
Variant type: single nucleotide variant.
Coding change: c.7310C>A on transcript NM_015512.5 (MANE Select); coding-DNA position 7310, C replaced by A.
Protein change: p.Thr2437Asn; replaces threonine 2437 with asparagine.
Molecular consequence: missense variant.
Genome position (GRCh38, 1-based): chr3:52,378,713, C>A. VCF-style: chr3-52378713-C-A. GRCh37 (hg19) VCF-style: chr3-52412729-C-A.
Other names: p.Thr2437Asn; short protein forms T2437N.
Identifiers: ClinVar variation 2228191 (VCV002228191.3), dbSNP rs200196097, ClinGen allele CA2434847.